The following is an entry in ClinVar:

NC_000005.9:g.(?_13792093)_(13794177_?)del

Gene: DNAH5 (dynein axonemal heavy chain 5; minus strand). Cytogenetic location: 5p15.2.
Variant type: Deletion.
Identifiers: ClinVar variation 1066938 (VCV001066938.16).

ClinVar aggregate classification (germline): Likely pathogenic (1 of 4 stars; one submission).

Conditions:
Primary ciliary dyskinesia. Also called: Ciliary dyskinesia. Identifiers: Orphanet 244, MedGen C0008780, MONDO:0016575, HP:0012265.

Submission:

Labcorp Genetics (formerly Invitae), Labcorp
Classification: Likely pathogenic for Primary ciliary dyskinesia. Last evaluated: 2022-11-02. Review status: criteria provided, single submitter. Criteria: Invitae Variant Classification Sherloc (09022015). Collection method: clinical testing. Allele origin: germline.
Comment: This variant is a gross deletion of the genomic region encompassing exon(s) 48-50 of the DNAH5 gene. This variant would be expected to be in-frame, preserving the integrity of the reading frame. In summary, the currently available evidence indicates that the variant is pathogenic, but additional data are needed to prove that conclusively. Therefore, this variant has been classified as Likely Pathogenic. This variant disrupts the p.Arg2677 amino acid residue in DNAH5. Other variant(s) that disrupt this residue have been determined to be pathogenic (PMID: 24150548; Invitae). This suggests that this residue is clinically significant, and that variants that disrupt this residue are likely to be disease-causing. This variant has not been reported in the literature in individuals affected with DNAH5-related conditions.

Literature cited by the submitters: PubMed 24150548.